The following is an entry in ClinVar:

NM_001363.5(DKC1):c.610A>G (p.Met204Val)

Gene: DKC1 (dyskerin pseudouridine synthase 1; plus strand). Cytogenetic location: Xq28.
Variant type: single nucleotide variant.
Coding change: c.610A>G on transcript NM_001363.5 (MANE Select); coding-DNA position 610, A replaced by G.
Protein change: p.Met204Val; replaces methionine 204 with valine.
Molecular consequence: missense variant. On other transcripts: non-coding transcript variant (3).
Genome position (GRCh38, 1-based): chrX:154,767,352, A>G. VCF-style: chrX-154767352-A-G. GRCh37 (hg19) VCF-style: chrX-153995627-A-G.
Other names: c.610A>G, p.Met204Val (NM_001142463.3, NM_001288747.2); short protein forms M204V.
Identifiers: ClinVar variation 4752308 (VCV004752308.1).

ClinVar aggregate classification (germline): Uncertain significance (1 of 4 stars; one submission).

Conditions:
Dyskeratosis congenita. Identifiers: Orphanet 1775, MedGen C0265965, MONDO:0015780.

Submission:

Labcorp Genetics (formerly Invitae), Labcorp
Classification: Uncertain significance for Dyskeratosis congenita. Last evaluated: 2025-05-13. Review status: criteria provided, single submitter. Criteria: Invitae Variant Classification Sherloc (09022015). Collection method: clinical testing. Allele origin: germline.
Comment: This sequence change replaces methionine, which is neutral and non-polar, with valine, which is neutral and non-polar, at codon 204 of the DKC1 protein (p.Met204Val). This variant is not present in population databases (gnomAD no frequency). This variant has not been reported in the literature in individuals affected with DKC1-related conditions. Invitae Evidence Modeling of protein sequence and biophysical properties (such as structural, functional, and spatial information, amino acid conservation, physicochemical variation, residue mobility, and thermodynamic stability) indicates that this missense variant is not expected to disrupt DKC1 protein function with a negative predictive value of 80%. In summary, the available evidence is currently insufficient to determine the role of this variant in disease. Therefore, it has been classified as a Variant of Uncertain Significance.